The following is an entry in ClinVar:

NM_020762.4(SRGAP1):c.161G>A (p.Arg54Gln)

Gene: SRGAP1 (SLIT-ROBO Rho GTPase activating protein 1; plus strand). Cytogenetic location: 12q14.2.
Variant type: single nucleotide variant.
Coding change: c.161G>A on transcript NM_020762.4 (MANE Select); coding-DNA position 161, G replaced by A.
Protein change: p.Arg54Gln; replaces arginine 54 with glutamine.
Molecular consequence: missense variant.
Genome position (GRCh38, 1-based): chr12:63,984,040, G>A. VCF-style: chr12-63984040-G-A. GRCh37 (hg19) VCF-style: chr12-64377820-G-A.
Other names: c.161G>A, p.Arg54Gln (NM_001346201.2); short protein forms R54Q.
Identifiers: ClinVar variation 3047245 (VCV003047245.2), dbSNP rs1483422708, ClinGen allele CA385661101.

ClinVar aggregate classification (germline): Uncertain significance (0 of 4 stars; one submission).

Conditions:
SRGAP1-related disorder. Also called: SRGAP1-related condition.

Allele frequency attached by ClinVar (database versions not stated): gnomAD exomes below 0.00001; TOPMed below 0.00001; gnomAD 0.00001.
gnomAD v4.1: 7 of 1,562,996 alleles (0.00045%); highest among the groups gnomAD compares: African/African-American, 0.0014%; no homozygotes.

Submission:

PreventionGenetics, part of Exact Sciences
Classification: Uncertain significance for SRGAP1-related condition. Last evaluated: 2023-10-23. Review status: no assertion criteria provided. Collection method: clinical testing. Allele origin: germline.
Comment: The SRGAP1 c.161G>A variant is predicted to result in the amino acid substitution p.Arg54Gln. To our knowledge, this variant has not been reported in the literature. This variant is reported in 0.00093% of alleles in individuals of European (Non-Finnish) descent in gnomAD. At this time, the clinical significance of this variant is uncertain due to the absence of conclusive functional and genetic evidence.